The following is an entry in ClinVar:

ClinVar aggregate classification (germline): Uncertain significance (1 of 4 stars; one submission).

Conditions:
Immunodeficiency 51 (IMD51). Also called: CANDIDIASIS, FAMILIAL, 5. Identifiers: Orphanet 1334, MedGen C4310803, MONDO:0013500, OMIM 613953.

Submission:

Labcorp Genetics (formerly Invitae), Labcorp
Classification: Uncertain significance for Immunodeficiency 51. Last evaluated: 2021-12-30. Review status: criteria provided, single submitter. Criteria: Invitae Variant Classification Sherloc (09022015). Collection method: clinical testing. Allele origin: germline.
Comment: In summary, the available evidence is currently insufficient to determine the role of this variant in disease. Therefore, it has been classified as a Variant of Uncertain Significance. Algorithms developed to predict the effect of missense changes on protein structure and function are either unavailable or do not agree on the potential impact of this missense change (SIFT: "Deleterious"; PolyPhen-2: "Probably Damaging"; Align-GVGD: "Class C0"). This variant has not been reported in the literature in individuals affected with IL17RA-related conditions. This variant is not present in population databases (gnomAD no frequency). This sequence change replaces threonine, which is neutral and polar, with alanine, which is neutral and non-polar, at codon 121 of the IL17RA protein (p.Thr121Ala).

NM_014339.7(IL17RA):c.361A>G (p.Thr121Ala)

Gene: IL17RA (interleukin 17 receptor A; plus strand). Cytogenetic location: 22q11.1.
Variant type: single nucleotide variant.
Coding change: c.361A>G on transcript NM_014339.7 (MANE Select); coding-DNA position 361, A replaced by G.
Protein change: p.Thr121Ala; replaces threonine 121 with alanine.
Molecular consequence: missense variant.
Genome position (GRCh38, 1-based): chr22:17,098,825, A>G. VCF-style: chr22-17098825-A-G. GRCh37 (hg19) VCF-style: chr22-17579715-A-G.
Other names: c.361A>G, p.Thr121Ala (NM_001289905.2); short protein forms T121A.
Identifiers: ClinVar variation 2067191 (VCV002067191.4), dbSNP rs2517160035, ClinGen allele CA410211355.
Genomic context (GRCh38, chr22:17,098,825, plus strand): 5'-TCTCCTGCAGCCAGCATCCTGTACCTCGAGGGTGCAGAGTTATCTGTCCTGCAGCTGAAC[A>G]CCAATGAACGTTTGTGCGTCAGGTTTGAGTTTCTGTCCAAACTGAGGCATCACCACAGGC-3'
Protein context (NP_055154.3, residues 111-131): GAELSVLQLN[Thr121Ala]NERLCVRFEF